The following is an entry in ClinVar:

NM_005612.5(REST):c.2685G>C (p.Gln895His)

Gene: REST (RE1 silencing transcription factor; plus strand). Cytogenetic location: 4q12.
Variant type: single nucleotide variant.
Coding change: c.2685G>C on transcript NM_005612.5 (MANE Select); coding-DNA position 2685, G replaced by C.
Protein change: p.Gln895His; replaces glutamine 895 with histidine.
Molecular consequence: missense variant.
Genome position (GRCh38, 1-based): chr4:56,931,543, G>C. VCF-style: chr4-56931543-G-C. GRCh37 (hg19) VCF-style: chr4-57797709-G-C.
Other names: c.2685G>C, p.Gln895His (NM_001193508.2, NM_001363453.3); short protein forms Q895H.
Identifiers: ClinVar variation 1360618 (VCV001360618.6), dbSNP rs1305477281, ClinGen allele CA357009319.

ClinVar aggregate classification (germline): Uncertain significance (1 of 4 stars; one submission).

Allele frequency attached by ClinVar (database versions not stated): gnomAD 0.00001; gnomAD exomes 0.00001; TOPMed 0.00001.
gnomAD v4.1: 15 of 1,614,102 alleles (0.00093%); highest among the groups gnomAD compares: Non-Finnish European, 0.0013%; no homozygotes.

Submission:

Labcorp Genetics (formerly Invitae), Labcorp
Classification: Uncertain significance. Last evaluated: 2024-01-07. Review status: criteria provided, single submitter. Criteria: Invitae Variant Classification Sherloc (09022015). Collection method: clinical testing. Allele origin: germline.
Comment: This sequence change replaces glutamine, which is neutral and polar, with histidine, which is basic and polar, at codon 895 of the REST protein (p.Gln895His). This variant is present in population databases (no rsID available, gnomAD 0.002%). This variant has not been reported in the literature in individuals affected with REST-related conditions. ClinVar contains an entry for this variant (Variation ID: 1360618). An algorithm developed to predict the effect of missense changes on protein structure and function (PolyPhen-2) suggests that this variant is likely to be tolerated. In summary, the available evidence is currently insufficient to determine the role of this variant in disease. Therefore, it has been classified as a Variant of Uncertain Significance.